The following is an entry in ClinVar:

ClinVar aggregate classification (germline): Uncertain significance (1 of 4 stars; one submission).

Conditions:
Immunodeficiency, common variable, 2 (CVID2). Also called: ANTIBODY DEFICIENCY DUE TO TACI DEFECT; HYPOGAMMAGLOBULINEMIA DUE TO TACI DEFICIENCY. Identifiers: Orphanet 1572, MedGen C3150354, MONDO:0009413, OMIM 240500.

Allele frequency attached by ClinVar (database versions not stated): gnomAD 0.00005; ESP Exome Variant Server 0.00008; TOPMed 0.00005; gnomAD exomes 0.00001; ExAC 0.00002.
gnomAD v4.1: 22 of 1,606,302 alleles (0.0014%); highest among the groups gnomAD compares: Middle Eastern, 0.017%; no homozygotes.

Submission:

Labcorp Genetics (formerly Invitae), Labcorp
Classification: Uncertain significance for Immunodeficiency, common variable, 2. Last evaluated: 2022-08-20. Review status: criteria provided, single submitter. Criteria: Invitae Variant Classification Sherloc (09022015). Collection method: clinical testing. Allele origin: germline.
Comment: This sequence change replaces alanine, which is neutral and non-polar, with valine, which is neutral and non-polar, at codon 239 of the TNFRSF13B protein (p.Ala239Val). This variant is present in population databases (rs375891337, gnomAD 0.01%). This variant has not been reported in the literature in individuals affected with TNFRSF13B-related conditions. ClinVar contains an entry for this variant (Variation ID: 471370). Algorithms developed to predict the effect of missense changes on protein structure and function output the following: SIFT: "Tolerated"; PolyPhen-2: "Benign"; Align-GVGD: "Class C0". The valine amino acid residue is found in multiple mammalian species, which suggests that this missense change does not adversely affect protein function. Algorithms developed to predict the effect of sequence changes on RNA splicing suggest that this variant may create or strengthen a splice site. In summary, the available evidence is currently insufficient to determine the role of this variant in disease. Therefore, it has been classified as a Variant of Uncertain Significance.

NM_012452.3(TNFRSF13B):c.716C>T (p.Ala239Val)

Gene: TNFRSF13B (TNF receptor superfamily member 13B; minus strand). Cytogenetic location: 17p11.2.
Variant type: single nucleotide variant.
Coding change: c.716C>T on transcript NM_012452.3 (MANE Select); coding-DNA position 716, C replaced by T.
Protein change: p.Ala239Val; replaces alanine 239 with valine.
Molecular consequence: missense variant.
Genome position (GRCh38, 1-based): chr17:16,939,713, G>A on the plus strand (C>T on the coding strand, the complement: TNFRSF13B is on the minus strand). VCF-style: chr17-16939713-G-A. GRCh37 (hg19) VCF-style: chr17-16843027-G-A.
Other names: short protein forms A239V.
Identifiers: ClinVar variation 471370 (VCV000471370.2), dbSNP rs375891337, ClinGen allele CA8413872.
Genomic context (GRCh38, chr17:16,939,713, plus strand): 5'-CACCTTCCAGCACAAGTGGGGTCGGGGGTCCCAGGCGTGACTGCGCTCTCCTGCGTGGGC[G>A]CCCTGCACTCAGGGAAGCAGAAGCTGCAGGTCTCCACTGGCTCGGGGGATGTGCTCACAG-3'
Protein context (NP_036584.1, residues 229-249): TCSFCFPECR[Ala239Val]PTQESAVTPG